The following is an entry in ClinVar:

NM_001369.3(DNAH5):c.3598+2T>C

Genes: DNAH5 (dynein axonemal heavy chain 5; minus strand), DNAH5-AS1 (DNAH5 antisense RNA 1; plus strand). Cytogenetic location: 5p15.2.
Variant type: single nucleotide variant.
Coding change: c.3598+2T>C on transcript NM_001369.3 (MANE Select); the canonical splice donor site of the intron after coding-DNA position 3598, T replaced by C.
Molecular consequence: splice donor variant.
Genome position (GRCh38, 1-based): chr5:13,871,562, A>G on the plus strand (T>C on the coding strand, the complement: DNAH5 is on the minus strand). VCF-style: chr5-13871562-A-G. GRCh37 (hg19) VCF-style: chr5-13871671-A-G.
Identifiers: ClinVar variation 520776 (VCV000520776.26), dbSNP rs981267400, ClinGen allele CA113982044.

ClinVar aggregate classification (germline): Pathogenic/Likely pathogenic. Review status: criteria provided, multiple submitters, no conflicts (2 of 4 stars). 10 submissions from 10 submitters: Pathogenic (7); Likely pathogenic (1). 2 of the submissions do not count toward it. Last evaluated 2025-10-08.

Conditions:
Primary ciliary dyskinesia 3. Identifiers: Orphanet 244, MedGen C1837618, MONDO:0012085, OMIM 608644.
Inborn genetic diseases. Identifiers: MedGen C0950123, MeSH D030342.
Primary ciliary dyskinesia. Also called: Ciliary dyskinesia. Identifiers: Orphanet 244, MedGen C0008780, MONDO:0016575, HP:0012265.
DNAH5-related disorder. Also called: DNAH5-related condition.

Allele frequency attached by ClinVar (database versions not stated): gnomAD exomes below 0.00001 and 0.00003.
gnomAD v4.1: 50 of 1,611,722 alleles (0.0031%); highest among the groups gnomAD compares: Non-Finnish European, 0.004%; no homozygotes.

Submissions (10):

Variantyx, Inc.
Classification: Pathogenic for Primary ciliary dyskinesia 3. Last evaluated: 2025-10-08. Review status: criteria provided, single submitter. Criteria: Variantyx Assertion Criteria 2022. Collection method: clinical testing. Allele origin: germline. Inheritance: Autosomal recessive inheritance. Affected: yes.
Comment: This is a canonical splicing variant in the DNAH5 gene (OMIM: 603335). Pathogenic variants in this gene have been associated with autosomal recessive primary ciliary dyskinesia 3. This splicing variant is expected to result in loss of function, which is a known disease mechanism for DNAH5 in this disorder (PVS1). This variant has a 0.0042% maximum allele frequency in non-founder control populations (PM2). Based on the current evidence, this variant is classified as pathogenic for autosomal recessive primary ciliary dyskinesia 3.

Labcorp Genetics (formerly Invitae), Labcorp
Classification: Pathogenic for Primary ciliary dyskinesia. Last evaluated: 2025-07-30. Review status: criteria provided, single submitter. Criteria: Invitae Variant Classification Sherloc (09022015). Collection method: clinical testing. Allele origin: germline.
Comment: This sequence change affects a donor splice site in intron 23 of the DNAH5 gene. It is expected to disrupt RNA splicing. Variants that disrupt the donor or acceptor splice site typically lead to a loss of protein function (PMID: 16199547), and loss-of-function variants in DNAH5 are known to be pathogenic (PMID: 11788826, 16627867). This variant is present in population databases (no rsID available, gnomAD 0.0009%). Disruption of this splice site has been observed in individual(s) with primary ciliary dyskinesia (PMID: 30067075; internal data). ClinVar contains an entry for this variant (Variation ID: 520776). Algorithms developed to predict the effect of sequence changes on RNA splicing suggest that this variant may disrupt the consensus splice site. For these reasons, this variant has been classified as Pathogenic.

Myriad Genetics, Inc.
Classification: Pathogenic for Primary ciliary dyskinesia 3. Last evaluated: 2025-03-20. Review status: criteria provided, single submitter. Criteria: Myriad Autosomal Dominant, Autosomal Recessive and X-Linked Classification Criteria (2023). Collection method: clinical testing. Allele origin: unknown.
Comment: NM_001369.2(DNAH5):c.3598+2T>C is a variant in a canonical splice site classified as pathogenic in the context of primary ciliary dyskinesia, DNAH5-related. c.3598+2T>C has been observed in cases with relevant disease (PMID: 30067075, 26373788). Relevant functional assessments of this variant are not available in the literature. c.3598+2T>C has been observed in referenced population frequency databases. In summary, NM_001369.2(DNAH5):c.3598+2T>C is a variant in a canonical splice site in a gene where loss of function is a known mechanism of disease, is predicted to disrupt protein function, and has been observed more frequently in cases with the relevant disease than in healthy populations. Please note: this variant was assessed in the context of healthy population screening.

Natera, Inc.
Classification: Pathogenic for Primary ciliary dyskinesia. Last evaluated: 2025-03-10. Review status: criteria provided, single submitter. Criteria: Natera Variant Classification Schema (03/2026). Collection method: clinical testing. Allele origin: germline.
Comment: The c.3598+2T>C variant in DNAH5 is a canonical splice donor site variant predicted to affect pre-mRNA splicing, which may result in an abnormal transcript and altered protein product. This variant is expected to result in nonsense mediated decay, truncation, or a dysfunctional protein product. This variant is rare in the general population with a frequency below the threshold expected for the associated phenotype(s). This variant has been observed in one or more individuals affected with the associated recessive disease, as either homozygous or compound heterozygous with a second variant (PMID: 30067075, 26373788). Another variant at this same site results in an alteration predicted to cause a similar molecular effect has been observed in individual(s) with the associated phenotype. Given the available evidence, this variant is classified as Pathogenic.

GeneDx
Classification: Pathogenic. Last evaluated: 2025-01-15. Review status: criteria provided, single submitter. Criteria: GeneDx Variant Classification Process June 2021. Collection method: clinical testing. Allele origin: germline.
Comment: Canonical splice site variant predicted to result in a null allele in a gene for which loss of function is a known mechanism of disease; Not observed at significant frequency in large population cohorts (gnomAD); This variant is associated with the following publications: (PMID: 26373788, 30067075)

Fulgent Genetics
Classification: Likely pathogenic for Primary ciliary dyskinesia 3. Last evaluated: 2024-01-04. Review status: criteria provided, single submitter. Criteria: ACMG Guidelines, 2015. Collection method: clinical testing. Allele origin: germline.

Victorian Clinical Genetics Services, Murdoch Childrens Research Institute
Classification: Pathogenic for Primary ciliary dyskinesia 3. Last evaluated: 2022-02-02. Review status: criteria provided, single submitter. Criteria: ACMG Guidelines, 2015. Collection method: clinical testing. Allele origin: germline. Inheritance: Autosomal recessive inheritance.
Comment: Based on the classification scheme VCGS_Germline_v1.3.4, this variant is classified as Pathogenic. Following criteria are met: 0102 - Loss of function is a known mechanism of disease in this gene and is associated with Primary ciliary dyskinesia 3 (PCD; MIM#608644). (I) 0106 - This gene is associated with autosomal recessive disease. (I) 0211 - Canonical splice site variant without proven consequence on splicing (no functional evidence available). (SP) 0251 - This variant is heterozygous. (I) 0304 - Variant is present in gnomAD <0.01 for a recessive condition (v2; 1 heterozygote, 0 homozygotes). (SP) 0505 - Abnormal splicing is predicted by in silico tools and affected nucleotide is highly conserved. (SP) 0704 - Another canonical splice site variant comparable to the one identified in this case has limited previous evidence for pathogenicity. c.3598+1G>A has been reported in a compound heterozygote individual with PCD (PMID: 27637300). (SP) 0802 - This variant has moderate previous evidence of pathogenicity in unrelated individuals. It has been reported in multiple individuals with primary ciliary dyskinesia (ClinVar, PMIDs: 26373788, 30067075). (SP) 0905 - No published segregation evidence has been identified for this variant. (I) 1007 - No published functional evidence has been identified for this variant. (I) 1208 - Inheritance information for this variant is not currently available in this individual. (I) Legend: (SP) - Supporting pathogenic, (I) - Information, (SB) - Supporting benign

Ambry Genetics
Classification: Pathogenic for Inborn genetic diseases. Last evaluated: 2015-10-05. Review status: criteria provided, single submitter. Criteria: Ambry exome assertion method (8-5-2015). Collection method: clinical testing. Allele origin: germline. Affected: yes. Observed: 1 variant allele.

PreventionGenetics, part of Exact Sciences
Classification: Pathogenic for DNAH5-related condition. Last evaluated: 2024-08-01. Review status: no assertion criteria provided. Collection method: clinical testing. Allele origin: germline. Not counted in ClinVar's aggregate classification.
Comment: The DNAH5 c.3598+2T>C variant is predicted to disrupt the GT donor site and interfere with normal splicing. This variant has been reported along with another DNAH5 variant in multiple individuals with primary ciliary dyskinesia (Raidt et al. 2015. PubMed ID: 26373788; Davis et al. 2018. PubMed ID: 30067075). This variant is reported in 0.00088% of alleles in individuals of European (Non-Finnish) descent in gnomAD. Variants that disrupt the consensus splice donor site in DNAH5 are expected to be pathogenic. This variant is interpreted as pathogenic.

Yale Center for Mendelian Genomics, Yale University
Classification: Likely pathogenic for Primary ciliary dyskinesia. Last evaluated: 2018-08-01. Review status: no assertion criteria provided. Collection method: literature only. Allele origin: germline. Affected: yes. Observed: 1 compound heterozygote. Study: Yale Center for Mendelian Genomics. Not counted in ClinVar's aggregate classification.

Literature cited by the submitters: PubMed 30067075 (cited by 6 submitters); PubMed 26373788 (cited by 4 submitters); PubMed 16199547 (cited by Labcorp Genetics (formerly Invitae), Labcorp); PubMed 11788826 (cited by Labcorp Genetics (formerly Invitae), Labcorp); PubMed 16627867 (cited by Labcorp Genetics (formerly Invitae), Labcorp); PubMed 27637300 (cited by Victorian Clinical Genetics Services, Murdoch Childrens Research Institute).